The following is an entry in ClinVar:

ClinVar aggregate classification (germline): Conflicting classifications of pathogenicity. Review status: criteria provided, conflicting classifications (1 of 4 stars). 4 submissions from 4 submitters: Likely pathogenic (1); Uncertain significance (3). Last evaluated 2023-05-31.

Conditions:
Mitochondrial complex I deficiency, nuclear type 19. Also called: Mitochondrial complex 1 deficiency, nuclear type 19. Identifiers: MedGen C4748791, MONDO:0032624, OMIM 618241.

Allele frequency attached by ClinVar (database versions not stated): gnomAD below 0.00001 and 0.00001; gnomAD exomes 0.00001; ExAC 0.00002; TOPMed 0.00002.

Submissions (4):

Department of Pathology and Laboratory Medicine, Sinai Health System
Classification: Uncertain significance for Mitochondrial complex I deficiency, nuclear type 19. Last evaluated: 2023-05-31. Review status: criteria provided, single submitter. Criteria: ACMG Guidelines, 2015. Collection method: research. Allele origin: germline.

Revvity Omics, Revvity
Classification: Uncertain significance for Mitochondrial complex I deficiency, nuclear type 19. Last evaluated: 2022-10-20. Review status: criteria provided, single submitter. Criteria: ACMG Guidelines, 2015. Collection method: clinical testing. Allele origin: germline.

Labcorp Genetics (formerly Invitae), Labcorp
Classification: Uncertain significance. Last evaluated: 2022-02-08. Review status: criteria provided, single submitter. Criteria: Invitae Variant Classification Sherloc (09022015). Collection method: clinical testing. Allele origin: germline.
Comment: This sequence change replaces arginine, which is basic and polar, with tryptophan, which is neutral and slightly polar, at codon 228 of the FOXRED1 protein (p.Arg228Trp). This variant is present in population databases (rs758966293, gnomAD 0.006%). This variant has not been reported in the literature in individuals affected with FOXRED1-related conditions. ClinVar contains an entry for this variant (Variation ID: 214446). Advanced modeling of protein sequence and biophysical properties (such as structural, functional, and spatial information, amino acid conservation, physicochemical variation, residue mobility, and thermodynamic stability) performed at Invitae indicates that this missense variant is expected to disrupt FOXRED1 protein function. In summary, the available evidence is currently insufficient to determine the role of this variant in disease. Therefore, it has been classified as a Variant of Uncertain Significance.

GeneDx
Classification: Likely pathogenic. Last evaluated: 2013-03-15. Review status: criteria provided, single submitter. Criteria: GeneDx Variant Classification (06012015). Collection method: clinical testing. Allele origin: germline. Affected: yes.
Comment: p.Arg228Trp (CGG>TGG): c.682 C>T in exon 6 of the FOXRED1 gene (NM_017547.3). The R228W missense change has not been published as a mutation, nor has it been reported as a benign polymorphism to our knowledge. R228W is a non-conservative amino acid substitution as a positively charged Arginine residue is replaced with an uncharged Tryptophan residue at a position that is highly conserved across species. Multiple in silico algorithms predict R228W to be damaging to the FOXRED1 protein. Therefore, R228W is a strong candidate for a disease-causing mutation, however the possibility that it is a benign variant cannot be excluded. The variant is found in MITONUC-MITOP panel(s).

NM_017547.4(FOXRED1):c.682C>T (p.Arg228Trp)

Gene: FOXRED1 (FAD dependent oxidoreductase domain containing 1; plus strand). Cytogenetic location: 11q24.2.
Variant type: single nucleotide variant.
Coding change: c.682C>T on transcript NM_017547.4 (MANE Select); coding-DNA position 682, C replaced by T.
Protein change: p.Arg228Trp; replaces arginine 228 with tryptophan.
Molecular consequence: missense variant. On other transcripts: non-coding transcript variant (2).
Genome position (GRCh38, 1-based): chr11:126,275,377, C>T. VCF-style: chr11-126275377-C-T. GRCh37 (hg19) VCF-style: chr11-126145272-C-T.
Other names: p.R228W:CGG>TGG; short protein forms R228W.
Identifiers: ClinVar variation 214446 (VCV000214446.7), dbSNP rs758966293, ClinGen allele CA320308.